The following is an entry in ClinVar:

NM_001035.3(RYR2):c.11911T>C (p.Leu3971=)

Gene: RYR2 (ryanodine receptor 2; plus strand). Cytogenetic location: 1q43.
Variant type: single nucleotide variant.
Coding change: c.11911T>C on transcript NM_001035.3 (MANE Select); coding-DNA position 11911, T replaced by C.
Protein change: p.Leu3971=; no amino-acid change (leucine 3971 retained).
Molecular consequence: synonymous variant.
Genome position (GRCh38, 1-based): chr1:237,781,595, T>C. VCF-style: chr1-237781595-T-C. GRCh37 (hg19) VCF-style: chr1-237944895-T-C.
Other names: c.11911T>C (NM_001035.2).
Identifiers: ClinVar variation 928337 (VCV000928337.7), dbSNP rs1393069119, ClinGen allele CA423825417.

ClinVar aggregate classification (germline): Likely benign. Review status: criteria provided, multiple submitters, no conflicts (2 of 4 stars). 4 submissions from 4 submitters: Likely benign (4). Last evaluated 2025-04-09.

Conditions:
Catecholaminergic polymorphic ventricular tachycardia (CVPT). Also called: Catecholamine-induced polymorphic ventricular tachycardia. Identifiers: Orphanet 3286, MedGen C5574922, MONDO:0017990.
Cardiomyopathy (CMYO). Also called: Cardiomyopathies. Identifiers: Orphanet 167848, MedGen C0878544, MONDO:0004994, HP:0001638. Inheritance: Various modes of inheritance.
Catecholaminergic polymorphic ventricular tachycardia 1. Also called: VENTRICULAR TACHYCARDIA, CATECHOLAMINERGIC POLYMORPHIC, 1, WITH OR WITHOUT ATRIAL DYSFUNCTION AND/OR DILATED CARDIOMYOPATHY; VENTRICULAR TACHYCARDIA, STRESS-INDUCED POLYMORPHIC 1; RYR2-Related Catecholaminergic Polymorphic Ventricular Tachycardia. Identifiers: Orphanet 3286, MedGen C1631597, MONDO:0011484, OMIM 604772.

gnomAD v4.1: 5 of 1,592,186 alleles (0.00031%); highest among the groups gnomAD compares: East Asian, 0.0022%; no homozygotes.

Submissions (4):

Molecular Diagnostic Laboratory for Inherited Cardiovascular Disease, Montreal Heart Institute
Classification: Likely benign. Last evaluated: 2025-04-09. Review status: criteria provided, single submitter. Criteria: ACMG Guidelines, 2015. Collection method: clinical testing. Allele origin: germline. Affected: no.

All of Us Research Program, National Institutes of Health
Classification: Likely benign for Catecholaminergic polymorphic ventricular tachycardia. Last evaluated: 2024-06-11. Review status: criteria provided, single submitter. Criteria: ACMG Guidelines, 2015. Collection method: clinical testing. Allele origin: germline. Inheritance: Autosomal dominant inheritance. Observed: 1 variant allele, 1 heterozygote.
Comment: This study involves interpretation of variants in research participants for the purpose of population health screening. Participant phenotype was not available at the time of variant classification. Additional details can be found in publication PMID: 35346344, PMCID: PMC8962531

Labcorp Genetics (formerly Invitae), Labcorp
Classification: Likely benign for Catecholaminergic polymorphic ventricular tachycardia 1. Last evaluated: 2023-06-23. Review status: criteria provided, single submitter. Criteria: Invitae Variant Classification Sherloc (09022015). Collection method: clinical testing. Allele origin: germline.

Color Diagnostics, LLC DBA Color Health
Classification: Likely benign for Cardiomyopathy. Last evaluated: 2018-12-21. Review status: criteria provided, single submitter. Criteria: ACMG Guidelines, 2015. Collection method: clinical testing. Allele origin: germline.